The following is an entry in ClinVar:

NM_213653.4(HJV):c.863G>C (p.Arg288Pro)

Gene: HJV (hemojuvelin BMP co-receptor; minus strand). Cytogenetic location: 1q21.1.
Variant type: single nucleotide variant.
Coding change: c.863G>C on transcript NM_213653.4 (MANE Select); coding-DNA position 863, G replaced by C.
Protein change: p.Arg288Pro; replaces arginine 288 with proline.
Molecular consequence: missense variant.
Genome position (GRCh38, 1-based): chr1:146,018,495, C>G on the plus strand (G>C on the coding strand, the complement: HJV is on the minus strand). VCF-style: chr1-146018495-C-G. GRCh37 (hg19) VCF-style: chr1-145416518-G-C.
Other names: c.185G>C, p.Arg62Pro (NM_001316767.2, NM_202004.4, NM_213652.4); c.863G>C, p.Arg288Pro (NM_001379352.1); c.524G>C, p.Arg175Pro (NM_145277.5); short protein forms R175P, R288P, R62P.
Identifiers: ClinVar variation 4069259 (VCV004069259.2).

ClinVar aggregate classification (germline): Uncertain significance. Review status: criteria provided, single submitter (1 of 4 stars). 2 submissions from 2 submitters: Uncertain significance (1). 1 of the submissions does not count toward it. Last evaluated 2025-10-10.

Conditions:
Hemochromatosis type 2A (HFE2A). Also called: HJV (HFE2)-Related Juvenile Hemochromatosis; Adult-Onset Hemochromatosis. Identifiers: Orphanet 79230, MedGen C1865614, MONDO:0011216, OMIM 602390.

Submissions (2):

Women's Health and Genetics/Laboratory Corporation of America, LabCorp
Classification: Uncertain significance. Last evaluated: 2025-10-10. Review status: criteria provided, single submitter. Criteria: LabCorp Variant Classification Summary - May 2015. Collection method: clinical testing. Allele origin: germline.
Comment: Variant summary: HJV c.863G>C (p.Arg288Pro) results in a non-conservative amino acid change in the encoded protein sequence. Algorithms developed to predict the effect of missense changes on protein structure and function are either unavailable or do not agree on the potential impact of this missense change. The variant was absent in 251460 control chromosomes. The available data on variant occurrences in the general population are insufficient to allow any conclusion about variant significance. To our knowledge, no occurrence of c.863G>C in individuals affected with HJV-related conditions and no experimental evidence demonstrating its impact on protein function have been reported. No submitters have cited clinical-significance assessments for this variant to ClinVar. Based on the evidence outlined above, the variant was classified as uncertain significance.

Natera, Inc.
Classification: Uncertain significance for Hemochromatosis type 2A. Last evaluated: 2025-03-24. Review status: no assertion criteria provided. Collection method: clinical testing. Allele origin: germline. Not counted in ClinVar's aggregate classification.